The following is an entry in ClinVar:

NM_003978.5(PSTPIP1):c.-141C>T

Gene: PSTPIP1 (proline-serine-threonine phosphatase interacting protein 1; plus strand). Cytogenetic location: 15q24.3.
Variant type: single nucleotide variant.
Coding change: c.-141C>T on transcript NM_003978.5 (MANE Select); 141 bases upstream of the start codon, C replaced by T.
Molecular consequence: 5 prime UTR variant. On other transcripts: synonymous variant (1), non-coding transcript variant (1).
Genome position (GRCh38, 1-based): chr15:76,995,433, C>T. VCF-style: chr15-76995433-C-T. GRCh37 (hg19) VCF-style: chr15-77287774-C-T.
Other names: c.-141C>T (NM_001321135.2, NM_001411086.1); c.-387C>T (NM_001321136.2); c.55C>T, p.Leu19= (NM_001321137.1).
Identifiers: ClinVar variation 3057775 (VCV003057775.2), dbSNP rs1191640172, ClinGen allele CA619415883.

ClinVar aggregate classification (germline): Likely benign (0 of 4 stars; one submission).

Conditions:
PSTPIP1-related disorder. Also called: PSTPIP1-related condition.

Allele frequency attached by ClinVar (database versions not stated): gnomAD exomes below 0.00001.
gnomAD v4.1: 2 of 1,526,878 alleles (0.00013%); highest among the groups gnomAD compares: Non-Finnish European, 0.00018%; no homozygotes.

Submission:

PreventionGenetics, part of Exact Sciences
Classification: Likely benign for PSTPIP1-related condition. Last evaluated: 2019-02-19. Review status: no assertion criteria provided. Collection method: clinical testing. Allele origin: germline.
Comment: This variant is classified as likely benign based on ACMG/AMP sequence variant interpretation guidelines (Richards et al. 2015 PMID: 25741868, with internal and published modifications).